The following is an entry in ClinVar:

NM_015378.4(VPS13D):c.2044A>T (p.Met682Leu)

Gene: VPS13D (vacuolar protein sorting 13 homolog D; plus strand). Cytogenetic location: 1p36.22.
Variant type: single nucleotide variant.
Coding change: c.2044A>T on transcript NM_015378.4 (MANE Select); coding-DNA position 2044, A replaced by T.
Protein change: p.Met682Leu; replaces methionine 682 with leucine.
Molecular consequence: missense variant.
Genome position (GRCh38, 1-based): chr1:12,271,065, A>T. VCF-style: chr1-12271065-A-T. GRCh37 (hg19) VCF-style: chr1-12331122-A-T.
Other names: c.2044A>T, p.Met682Leu (NM_018156.4); short protein forms M682L.
Identifiers: ClinVar variation 1964624 (VCV001964624.5), dbSNP rs765831536, ClinGen allele CA601722.
Genomic context (GRCh38, chr1:12,271,065, plus strand): 5'-CAGTCTGAACTTGAGCTGAGAGTGGCTGAAGCTGCCCGAAGACAATATAACAAGCTGAAG[A>T]TGCAGACCAAGGCAGAAATCCGGCAAACTCTTGATCGTTTGCTAGTGGGTGATTTCATTG-3'
Protein context (NP_056193.2, residues 672-692): AARRQYNKLK[Met682Leu]QTKAEIRQTL

ClinVar aggregate classification (germline): Uncertain significance (1 of 4 stars; one submission).

Allele frequency attached by ClinVar (database versions not stated): ExAC 0.00001; gnomAD exomes 0.00001.
gnomAD v4.1: 17 of 1,614,030 alleles (0.0011%); highest among the groups gnomAD compares: Non-Finnish European, 0.0014%; no homozygotes.

Submission:

Labcorp Genetics (formerly Invitae), Labcorp
Classification: Uncertain significance. Last evaluated: 2022-03-08. Review status: criteria provided, single submitter. Criteria: Invitae Variant Classification Sherloc (09022015). Collection method: clinical testing. Allele origin: germline.
Comment: In summary, the available evidence is currently insufficient to determine the role of this variant in disease. Therefore, it has been classified as a Variant of Uncertain Significance. Algorithms developed to predict the effect of missense changes on protein structure and function are either unavailable or do not agree on the potential impact of this missense change (SIFT: "Not Available"; PolyPhen-2: "Possibly Damaging"; Align-GVGD: "Not Available"). This variant has not been reported in the literature in individuals affected with VPS13D-related conditions. This variant is present in population databases (rs765831536, gnomAD 0.002%). This sequence change replaces methionine, which is neutral and non-polar, with leucine, which is neutral and non-polar, at codon 682 of the VPS13D protein (p.Met682Leu).